The following is an entry in ClinVar:

NM_000551.4(VHL):c.363dup (p.Ala122fs)

Genes: VHL (von Hippel-Lindau tumor suppressor; plus strand), LOC107303340 (3p25 von Hippel-Lindau tumor suppressor, E3 ubiquitin protein ligase Alu-mediated recombination region; plus strand). Cytogenetic location: 3p25.3.
Variant type: Duplication.
Coding change: c.363dup on transcript NM_000551.4 (MANE Select); coding-DNA position 363, one base duplicated (T; older notation c.363dupT).
Protein change: p.Ala122fs; shifts the reading frame from alanine 122.
Molecular consequence: frameshift variant. On other transcripts: intron variant (2).
Genome position (GRCh38, 1-based): chr3:10,146,536, T duplicated. VCF-style (leftmost placement, unchanged base first): chr3-10146535-A-AT. GRCh37 (hg19) VCF-style: chr3-10188219-A-AT.
Other names: c.*18-3251dup (NM_001354723.2); c.341-3251dup (NM_198156.3); c.363dup (NM_000551.3); short protein forms A122fs.
Identifiers: ClinVar variation 824019 (VCV000824019.14), dbSNP rs1575927767, ClinGen allele CA915941844.

ClinVar aggregate classification (germline): Pathogenic. Review status: criteria provided, multiple submitters, no conflicts (2 of 4 stars). 2 submissions from 2 submitters: Pathogenic (2). Last evaluated 2019-06-15.

Conditions:
Chuvash polycythemia. Also called: POLYCYTHEMIA, VHL-DEPENDENT. Identifiers: Orphanet 238557, MedGen C1837915, MONDO:0009892, OMIM 263400.
Von Hippel-Lindau syndrome (VHLS). Also called: VHL syndrome; Von Hippel-Lindau; von Hippel–Lindau syndrome. Identifiers: Orphanet 892, MedGen C0019562, MONDO:0008667, OMIM 193300. Disease mechanism: loss of function.
Hereditary cancer-predisposing syndrome. Also called: Neoplastic Syndromes, Hereditary; Hereditary Cancer Syndrome; Hereditary neoplastic syndrome; Tumor predisposition. Identifiers: Orphanet 140162, MedGen C0027672, MeSH D009386, MONDO:0015356.

Submissions (2):

Labcorp Genetics (formerly Invitae), Labcorp
Classification: Pathogenic for Von Hippel-Lindau syndrome; Chuvash polycythemia. Last evaluated: 2019-06-15. Review status: criteria provided, single submitter. Criteria: Invitae Variant Classification Sherloc (09022015). Collection method: clinical testing. Allele origin: germline.
Comment: This sequence change results in a premature translational stop signal in the VHL gene (p.Ala122Cysfs*10). While this is not anticipated to result in nonsense mediated decay, it is expected to disrupt the last 92 amino acids of the VHL protein. This variant is not present in population databases (ExAC no frequency). This variant has not been reported in the literature in individuals with VHL-related conditions. This variant disrupts the C-terminus of the VHL protein. Other variant(s) that disrupt this region (p.Ser183*) have been determined to be pathogenic (PMID: 8707293, 10567493, 11309459). This suggests that variants that disrupt this region of the protein are likely to be causative of disease. For these reasons, this variant has been classified as Pathogenic.

Ambry Genetics
Classification: Pathogenic for Hereditary cancer-predisposing syndrome. Last evaluated: 2018-08-28. Review status: criteria provided, single submitter. Criteria: Ambry Variant Classification Scheme 2023. Collection method: clinical testing. Allele origin: germline.
Comment: The c.363dupT pathogenic mutation, located in coding exon 2 of the VHL gene, results from a duplication of T at nucleotide position 363, causing a translational frameshift with a predicted alternate stop codon (p.A122Cfs*10). This alteration is expected to result in loss of function by premature protein truncation or nonsense-mediated mRNA decay. As such, this alteration is interpreted as a disease-causing mutation.

Literature cited by the submitters: PubMed 8707293 (cited by Labcorp Genetics (formerly Invitae), Labcorp); PubMed 10567493 (cited by Labcorp Genetics (formerly Invitae), Labcorp); PubMed 11309459 (cited by Labcorp Genetics (formerly Invitae), Labcorp).